The following is an entry in ClinVar:

NM_004068.4(AP2M1):c.963+5G>A

Gene: AP2M1 (adaptor related protein complex 2 subunit mu 1; plus strand). Cytogenetic location: 3q27.1.
Variant type: single nucleotide variant.
Coding change: c.963+5G>A on transcript NM_004068.4 (MANE Select); 5 bases into the intron after coding-DNA position 963, G replaced by A.
Molecular consequence: intron variant.
Genome position (GRCh38, 1-based): chr3:184,182,052, G>A. VCF-style: chr3-184182052-G-A. GRCh37 (hg19) VCF-style: chr3-183899840-G-A.
Other names: c.1038+5G>A (NM_001311198.2); c.957+5G>A (NM_001025205.2).
Identifiers: ClinVar variation 4712905 (VCV004712905.1).

ClinVar aggregate classification (germline): Uncertain significance (1 of 4 stars; one submission).

Submission:

Labcorp Genetics (formerly Invitae), Labcorp
Classification: Uncertain significance. Last evaluated: 2025-02-12. Review status: criteria provided, single submitter. Criteria: Invitae Variant Classification Sherloc (09022015). Collection method: clinical testing. Allele origin: germline.
Comment: This sequence change falls in intron 9 of the AP2M1 gene. It does not directly change the encoded amino acid sequence of the AP2M1 protein. It affects a nucleotide within the consensus splice site. This variant is not present in population databases (gnomAD no frequency). This variant has not been reported in the literature in individuals affected with AP2M1-related conditions. Variants that disrupt the consensus splice site are a relatively common cause of aberrant splicing (PMID: 17576681, 9536098). Algorithms developed to predict the effect of sequence changes on RNA splicing suggest that this variant may disrupt the consensus splice site. In summary, the available evidence is currently insufficient to determine the role of this variant in disease. Therefore, it has been classified as a Variant of Uncertain Significance.

Literature cited by the submitters: PubMed 17576681; PubMed 9536098.